The following is an entry in ClinVar:

NM_001363118.2(SLC52A2):c.1160C>G (p.Ser387Cys)

Gene: SLC52A2 (solute carrier family 52 member 2; plus strand). Cytogenetic location: 8q24.3.
Variant type: single nucleotide variant.
Coding change: c.1160C>G on transcript NM_001363118.2 (MANE Select); coding-DNA position 1160, C replaced by G.
Protein change: p.Ser387Cys; replaces serine 387 with cysteine.
Molecular consequence: missense variant. On other transcripts: non-coding transcript variant (1).
Genome position (GRCh38, 1-based): chr8:144,360,837, C>G. VCF-style: chr8-144360837-C-G. GRCh37 (hg19) VCF-style: chr8-145584497-C-G.
Other names: c.1160C>G (NM_001253816.1); c.1160C>G, p.Ser387Cys (NM_001253815.2, NM_001253816.2, NM_001363120.2 and 2 more transcripts); c.668C>G, p.Ser223Cys (NM_001363122.2); short protein forms S223C, S387C.
Identifiers: ClinVar variation 1371489 (VCV001371489.7), dbSNP rs1213343967, ClinGen allele CA372629412.

ClinVar aggregate classification (germline): Uncertain significance. Review status: criteria provided, multiple submitters, no conflicts (2 of 4 stars). 3 submissions from 3 submitters: Uncertain significance (3). Last evaluated 2025-02-25.

Conditions:
Inborn genetic diseases. Identifiers: MedGen C0950123, MeSH D030342.
Brown-Vialetto-van Laere syndrome 2. Also called: SPINOCEREBELLAR ATAXIA WITH BLINDNESS AND DEAFNESS 2; Riboflavin transporter deficiency type 2. Identifiers: Orphanet 572543, Orphanet 97229, MedGen C3553538, MONDO:0013867, OMIM 614707.
SLC52A2-related disorder. Also called: SLC52A2-related condition.

Allele frequency attached by ClinVar (database versions not stated): gnomAD 0.00002; TOPMed 0.00002.
gnomAD v4.1: 38 of 1,613,210 alleles (0.0024%); highest among the groups gnomAD compares: Non-Finnish European, 0.0031%; no homozygotes.

Submissions (3):

PreventionGenetics, part of Exact Sciences
Classification: Uncertain significance for SLC52A2-related condition. Last evaluated: 2025-02-25. Review status: criteria provided, single submitter. Criteria: ACMG Guidelines, 2015. Collection method: clinical testing. Allele origin: germline.
Comment: The SLC52A2 c.1160C>G variant is predicted to result in the amino acid substitution p.Ser387Cys. To our knowledge, this variant has not been reported in the literature. This variant is reported in 0.0080% of alleles in individuals of African descent in gnomAD. At this time, the clinical significance of this variant is uncertain due to the absence of conclusive functional and genetic evidence.

Labcorp Genetics (formerly Invitae), Labcorp
Classification: Uncertain significance for Brown-Vialetto-van Laere syndrome 2. Last evaluated: 2022-03-14. Review status: criteria provided, single submitter. Criteria: Invitae Variant Classification Sherloc (09022015). Collection method: clinical testing. Allele origin: germline.
Comment: This sequence change replaces serine, which is neutral and polar, with cysteine, which is neutral and slightly polar, at codon 387 of the SLC52A2 protein (p.Ser387Cys). In summary, the available evidence is currently insufficient to determine the role of this variant in disease. Therefore, it has been classified as a Variant of Uncertain Significance. Advanced modeling of protein sequence and biophysical properties (such as structural, functional, and spatial information, amino acid conservation, physicochemical variation, residue mobility, and thermodynamic stability) performed at Invitae indicates that this missense variant is expected to disrupt SLC52A2 protein function. This variant has not been reported in the literature in individuals affected with SLC52A2-related conditions. This variant is present in population databases (no rsID available, gnomAD 0.008%).

Ambry Genetics
Classification: Uncertain significance for Inborn genetic diseases. Last evaluated: 2020-02-21. Review status: criteria provided, single submitter. Criteria: Ambry Variant Classification Scheme 2023. Collection method: clinical testing. Allele origin: germline.
Comment: The p.S387C variant (also known as c.1160C>G), located in coding exon 4 of the SLC52A2 gene, results from a C to G substitution at nucleotide position 1160. The serine at codon 387 is replaced by cysteine, an amino acid with dissimilar properties. This amino acid position is highly conserved in available vertebrate species. In addition, the in silico prediction for this alteration is inconclusive. Since supporting evidence is limited at this time, the clinical significance of this alteration remains unclear.